The following is an entry in ClinVar:

ClinVar aggregate classification (germline): Uncertain significance. Review status: criteria provided, multiple submitters, no conflicts (2 of 4 stars). 2 submissions from 2 submitters: Uncertain significance (2). Last evaluated 2025-06-24.

Conditions:
EP300-related disorder. Also called: EP300-related condition; EP300-related disorders.
Rubinstein-Taybi syndrome due to EP300 haploinsufficiency. Also called: EP300-Related Rubinstein-Taybi Syndrome; RUBINSTEIN-TAYBI SYNDROME 2. Identifiers: Orphanet 353284, Orphanet 783, MedGen C3150941, MONDO:0013364, OMIM 613684.

Submissions (2):

PreventionGenetics, part of Exact Sciences
Classification: Uncertain significance for EP300-related condition. Last evaluated: 2025-06-24. Review status: criteria provided, single submitter. Criteria: ACMG Guidelines, 2015. Collection method: clinical testing. Allele origin: germline.
Comment: The EP300 c.5840_5848del9 variant is predicted to result in an in-frame deletion (p.Ile1947_Gln1949del). To our knowledge, this variant has not been reported in the literature. This variant is reported in 0.0029% of alleles in individuals of Latino descent in gnomAD. At this time, the clinical significance of this variant is uncertain due to the absence of conclusive functional and genetic evidence.

Baylor Genetics
Classification: Uncertain significance for Rubinstein-Taybi syndrome due to EP300 haploinsufficiency. Last evaluated: 2018-08-30. Review status: criteria provided, single submitter. Criteria: ACMG Guidelines, 2015. Collection method: clinical testing. Allele origin: paternal. Affected: yes.
Comment: This variant was determined to be of uncertain significance according to ACMG Guidelines, 2015 [PMID:25741868].

NM_001429.4(EP300):c.5840_5848del (p.Ile1947_Gln1949del)

Gene: EP300 (EP300 lysine acetyltransferase; plus strand). Cytogenetic location: 22q13.2.
Variant type: Deletion.
Coding change: c.5840_5848del on transcript NM_001429.4 (MANE Select); coding-DNA positions 5840 to 5848, 9 bases deleted (TTTTTCAAA; older notation c.5840_5848delTTTTTCAAA).
Protein change: p.Ile1947_Gln1949del.
Molecular consequence: inframe deletion.
Genome position (GRCh38, 1-based): chr22:41,177,551-41,177,559, TTTTTCAAA deleted; deleting any 9 consecutive bases within chr22:41,177,547-41,177,559 gives the same sequence; the c. name uses the placement nearest the transcript's 3' end. VCF-style (leftmost placement, unchanged base first): chr22-41177546-GCAAATTTTT-G. GRCh37 (hg19) VCF-style: chr22-41573550-GCAAATTTTT-G.
Other names: c.5762_5770del, p.Ile1921_Gln1923del (NM_001362843.2); c.5840_5848del9 (NM_001429.3).
Identifiers: ClinVar variation 1033841 (VCV001033841.2), dbSNP rs1171171784, ClinGen allele CA639825799.